The following is an entry in ClinVar:

NM_001127208.3(TET2):c.3766G>C (p.Gly1256Arg)

Genes: TET2 (tet methylcytosine dioxygenase 2; plus strand), TET2-AS1 (TET2 antisense RNA 1; minus strand). Cytogenetic location: 4q24.
Variant type: single nucleotide variant.
Coding change: c.3766G>C on transcript NM_001127208.3 (MANE Select); coding-DNA position 3766, G replaced by C.
Protein change: p.Gly1256Arg; replaces glycine 1256 with arginine.
Molecular consequence: missense variant.
Genome position (GRCh38, 1-based): chr4:105,243,741, G>C. VCF-style: chr4-105243741-G-C. GRCh37 (hg19) VCF-style: chr4-106164898-G-C.
Other names: short protein forms G1256R.
Identifiers: ClinVar variation 1980278 (VCV001980278.2), dbSNP rs770335785, ClinGen allele CA3032123.
Genomic context (GRCh38, chr4:105,243,741, plus strand): 5'-ATCCCGCTGTCTCTGGCTGACAAACTCTACTCGGAGCTTACCGAGACGCTGAGGAAATAC[G>C]GCACGCTCACCAATCGCCGGTGTGCCTTGAATGAAGAGTAAGTGAAGCCCAGGGCCTCTC-3'
Protein context (NP_001120680.1, residues 1246-1266): SELTETLRKY[Gly1256Arg]TLTNRRCALN

ClinVar aggregate classification (germline): Uncertain significance (1 of 4 stars; one submission).

Allele frequency attached by ClinVar (database versions not stated): TOPMed below 0.00001; gnomAD 0.00001; ExAC 0.00005.
gnomAD v4.1: 19 of 1,551,128 alleles (0.0012%); highest among the groups gnomAD compares: Admixed American, 0.002%; no homozygotes.

Submission:

Labcorp Genetics (formerly Invitae), Labcorp
Classification: Uncertain significance. Last evaluated: 2023-08-10. Review status: criteria provided, single submitter. Criteria: Invitae Variant Classification Sherloc (09022015). Collection method: clinical testing. Allele origin: germline.
Comment: This sequence change replaces glycine, which is neutral and non-polar, with arginine, which is basic and polar, at codon 1256 of the TET2 protein (p.Gly1256Arg). In summary, the available evidence is currently insufficient to determine the role of this variant in disease. Therefore, it has been classified as a Variant of Uncertain Significance. An algorithm developed to predict the effect of missense changes on protein structure and function (PolyPhen-2) suggests that this variant is likely to be disruptive. ClinVar contains an entry for this variant (Variation ID: 1980278). This variant has not been reported in the literature in individuals affected with TET2-related conditions. This variant is present in population databases (rs770335785, gnomAD 0.004%).